The following is an entry in ClinVar:

NM_017636.4(TRPM4):c.1744-3C>T

Gene: TRPM4 (transient receptor potential cation channel subfamily M member 4; plus strand). Cytogenetic location: 19q13.33.
Variant type: single nucleotide variant.
Coding change: c.1744-3C>T on transcript NM_017636.4 (MANE Select); 3 bases into the intron before coding-DNA position 1744, C replaced by T.
Molecular consequence: intron variant.
Genome position (GRCh38, 1-based): chr19:49,188,638, C>T. VCF-style: chr19-49188638-C-T. GRCh37 (hg19) VCF-style: chr19-49691895-C-T.
Other names: c.1744-3C>T (NM_001195227.2); c.136-3C>T (NM_001321282.2); c.1399-3C>T (NM_001321281.2); c.1222-3C>T (NM_001321283.2); c.682-3C>T (NM_001321285.2).
Identifiers: ClinVar variation 2625619 (VCV002625619.2), dbSNP rs2514140877, ClinGen allele CA2582342960.

ClinVar aggregate classification (germline): Uncertain significance (1 of 4 stars; one submission).

Conditions:
Cardiovascular phenotype. Identifiers: MedGen CN230736.

gnomAD v4.1: 1 of 1,614,206 alleles (0.000062%); highest among the groups gnomAD compares: Admixed American, 0.0017%; no homozygotes.

Submission:

Ambry Genetics
Classification: Uncertain significance for Cardiovascular phenotype. Last evaluated: 2023-07-26. Review status: criteria provided, single submitter. Criteria: Ambry Variant Classification Scheme 2023. Collection method: clinical testing. Allele origin: germline.
Comment: The c.1744-3C>T intronic variant results from a C to T substitution 3 nucleotides upstream from coding exon 13 in the TRPM4 gene. This nucleotide position is well conserved in available vertebrate species. In silico splice site analysis predicts that this alteration will not have any significant effect on splicing. Since supporting evidence is limited at this time, the clinical significance of this alteration remains unclear.